The following is an entry in ClinVar:

ClinVar aggregate classification (germline): Likely benign. Review status: criteria provided, multiple submitters, no conflicts (2 of 4 stars). 4 submissions from 4 submitters: Likely benign (3). 1 of the submissions does not count toward it. Last evaluated 2024-02-03.

Conditions:
DNMT1-related disorder. Also called: DNMT1-related condition. Identifiers: MedGen CN381527.
Hereditary sensory neuropathy-deafness-dementia syndrome. Also called: HSN IE; NEUROPATHY, HEREDITARY SENSORY, WITH HEARING LOSS AND DEMENTIA; Hereditary sensory neuropathy type IE; Hereditary Sensory and Autonomic Neuropathy Type 1E (HSAN1E). Identifiers: Orphanet 456318, MedGen C3279885, MONDO:0013584, OMIM 614116.

Allele frequency attached by ClinVar (database versions not stated): gnomAD 0.00001; gnomAD exomes 0.00002 and 0.00004; TOPMed 0.00003; ExAC 0.00007; ESP Exome Variant Server 0.00008.
gnomAD v4.1: 29 of 1,614,120 alleles (0.0018%); highest among the groups gnomAD compares: South Asian, 0.011%; no homozygotes.

Submissions (4):

Labcorp Genetics (formerly Invitae), Labcorp
Classification: Likely benign for Hereditary sensory neuropathy-deafness-dementia syndrome. Last evaluated: 2024-02-03. Review status: criteria provided, single submitter. Criteria: Invitae Variant Classification Sherloc (09022015). Collection method: clinical testing. Allele origin: germline.

Blueprint Genetics
Classification: Likely benign. Last evaluated: 2023-03-03. Review status: criteria provided, single submitter. Criteria: ACMG Guidelines, 2015. Collection method: clinical testing. Allele origin: germline.

CeGaT Center for Human Genetics Tuebingen
Classification: Likely benign. Last evaluated: 2022-07-01. Review status: criteria provided, single submitter. Criteria: CeGaT Center For Human Genetics Tuebingen Variant Classification Criteria Version 2. Collection method: clinical testing. Allele origin: germline. Affected: yes. Observed: 1 variant allele.
Comment: DNMT1: BP4, BP7

PreventionGenetics, part of Exact Sciences
Classification: Likely benign for DNMT1-related condition. Last evaluated: 2024-03-12. Review status: no assertion criteria provided. Collection method: clinical testing. Allele origin: germline. Not counted in ClinVar's aggregate classification.
Comment: This variant is classified as likely benign based on ACMG/AMP sequence variant interpretation guidelines (Richards et al. 2015 PMID: 25741868, with internal and published modifications).

NM_001130823.3(DNMT1):c.1167C>T (p.Asp389=)

Gene: DNMT1 (DNA methyltransferase 1; minus strand). Cytogenetic location: 19p13.2.
Variant type: single nucleotide variant.
Coding change: c.1167C>T on transcript NM_001130823.3 (MANE Select); coding-DNA position 1167, C replaced by T.
Protein change: p.Asp389=; no amino-acid change (aspartic acid 389 retained).
Molecular consequence: synonymous variant.
Genome position (GRCh38, 1-based): chr19:10,159,845, G>A on the plus strand (C>T on the coding strand, the complement: DNMT1 is on the minus strand). VCF-style: chr19-10159845-G-A. GRCh37 (hg19) VCF-style: chr19-10270521-G-A.
Other names: c.1119C>T, p.Asp373= (NM_001318730.2, NM_001379.4); c.804C>T, p.Asp268= (NM_001318731.2); c.1167C>T (NM_001130823.2).
Identifiers: ClinVar variation 1079541 (VCV001079541.35), dbSNP rs140747287, ClinGen allele CA9188372.